The following is an entry in ClinVar:

NM_000059.4(BRCA2):c.9942A>C (p.Lys3314Asn)

Gene: BRCA2 (BRCA2 DNA repair associated; plus strand). Cytogenetic location: 13q13.1.
Variant type: single nucleotide variant.
Coding change: c.9942A>C on transcript NM_000059.4 (MANE Select); coding-DNA position 9942, A replaced by C.
Protein change: p.Lys3314Asn; replaces lysine 3314 with asparagine.
Molecular consequence: missense variant.
Genome position (GRCh38, 1-based): chr13:32,398,455, A>C. VCF-style: chr13-32398455-A-C. GRCh37 (hg19) VCF-style: chr13-32972592-A-C.
Other names: short protein forms K3314N.
Identifiers: ClinVar variation 409557 (VCV000409557.14), dbSNP rs1060502464, ClinGen allele CA16613986.

ClinVar aggregate classification (germline): Uncertain significance. Review status: criteria provided, multiple submitters, no conflicts (2 of 4 stars). 2 submissions from 2 submitters: Uncertain significance (2). Last evaluated 2025-08-15.

Conditions:
Hereditary breast ovarian cancer syndrome. Also called: Hereditary breast and ovarian cancer; Hereditary breast and/or ovarian cancer syndrome; BRCA1- and BRCA2-Associated Hereditary Breast and Ovarian Cancer; Hereditary breast and ovarian cancer syndrome; Hereditary breast and ovarian cancer syndrome (HBOC); Breast and ovarian cancer. Identifiers: Orphanet 145, MedGen C0677776, MeSH D061325, MONDO:0003582. Disease mechanism: loss of function.
Hereditary cancer-predisposing syndrome. Also called: Tumor predisposition; Hereditary Cancer Syndrome; Hereditary neoplastic syndrome; Neoplastic Syndromes, Hereditary. Identifiers: Orphanet 140162, MedGen C0027672, MeSH D009386, MONDO:0015356.

Submissions (2):

Ambry Genetics
Classification: Uncertain significance for Hereditary cancer-predisposing syndrome. Last evaluated: 2025-08-15. Review status: criteria provided, single submitter. Criteria: Ambry Variant Classification Scheme 2023. Collection method: clinical testing. Allele origin: germline.
Comment: The p.K3314N variant (also known as c.9942A>C), located in coding exon 26 of the BRCA2 gene, results from an A to C substitution at nucleotide position 9942. The lysine at codon 3314 is replaced by asparagine, an amino acid with similar properties. This amino acid position is not well conserved in available vertebrate species. In addition, this alteration is predicted to be tolerated by in silico analysis. Since supporting evidence is limited at this time, the clinical significance of this alteration remains unclear.

Labcorp Genetics (formerly Invitae), Labcorp
Classification: Uncertain significance for Hereditary breast ovarian cancer syndrome. Last evaluated: 2024-06-30. Review status: criteria provided, single submitter. Criteria: Invitae Variant Classification Sherloc (09022015). Collection method: clinical testing. Allele origin: germline.
Comment: This sequence change replaces lysine, which is basic and polar, with asparagine, which is neutral and polar, at codon 3314 of the BRCA2 protein (p.Lys3314Asn). This variant is not present in population databases (gnomAD no frequency). This missense change has been observed in individual(s) with endometrial cancer (PMID: 27443514). ClinVar contains an entry for this variant (Variation ID: 409557). Advanced modeling of protein sequence and biophysical properties (such as structural, functional, and spatial information, amino acid conservation, physicochemical variation, residue mobility, and thermodynamic stability) performed at Invitae indicates that this missense variant is not expected to disrupt BRCA2 protein function with a negative predictive value of 95%. In summary, the available evidence is currently insufficient to determine the role of this variant in disease. Therefore, it has been classified as a Variant of Uncertain Significance.

Literature cited by the submitters: PubMed 27443514 (cited by Labcorp Genetics (formerly Invitae), Labcorp).